The following is an entry in ClinVar:

ClinVar aggregate classification (germline): Uncertain significance (1 of 4 stars; one submission).

Conditions:
Familial thoracic aortic aneurysm and aortic dissection (TAAD). Also called: Thoracic aortic aneurysms and dissections. Identifiers: Orphanet 91387, MedGen C4707243, MONDO:0019625.

Submission:

Ambry Genetics
Classification: Uncertain significance for Familial thoracic aortic aneurysm and aortic dissection. Last evaluated: 2024-10-04. Review status: criteria provided, single submitter. Criteria: Ambry Variant Classification Scheme 2023. Collection method: clinical testing. Allele origin: germline.
Comment: The p.I1718M variant (also known as c.5154C>G), located in coding exon 27 of the NOTCH1 gene, results from a C to G substitution at nucleotide position 5154. The isoleucine at codon 1718 is replaced by methionine, an amino acid with highly similar properties. This amino acid position is conserved. In addition, this alteration is predicted to be tolerated by in silico analysis. Based on the available evidence, the clinical significance of this variant remains unclear.

NM_017617.5(NOTCH1):c.5154C>G (p.Ile1718Met)

Gene: NOTCH1 (notch receptor 1; minus strand). Cytogenetic location: 9q34.3.
Variant type: single nucleotide variant.
Coding change: c.5154C>G on transcript NM_017617.5 (MANE Select); coding-DNA position 5154, C replaced by G.
Protein change: p.Ile1718Met; replaces isoleucine 1718 with methionine.
Molecular consequence: missense variant.
Genome position (GRCh38, 1-based): chr9:136,503,195, G>C on the plus strand (C>G on the coding strand, the complement: NOTCH1 is on the minus strand). VCF-style: chr9-136503195-G-C. GRCh37 (hg19) VCF-style: chr9-139397647-G-C.
Other names: short protein forms I1718M.
Identifiers: ClinVar variation 3406844 (VCV003406844.1).